The following is an entry in ClinVar:

NM_001211.6(BUB1B):c.1001C>T (p.Pro334Leu)

Gene: BUB1B (BUB1 mitotic checkpoint serine/threonine kinase B; plus strand). Cytogenetic location: 15q15.1.
Variant type: single nucleotide variant.
Coding change: c.1001C>T on transcript NM_001211.6 (MANE Select); coding-DNA position 1001, C replaced by T.
Protein change: p.Pro334Leu; replaces proline 334 with leucine.
Molecular consequence: missense variant.
Genome position (GRCh38, 1-based): chr15:40,185,585, C>T. VCF-style: chr15-40185585-C-T. GRCh37 (hg19) VCF-style: chr15-40477786-C-T.
Other names: p.Pro334Leu; short protein forms P334L.
Identifiers: ClinVar variation 133779 (VCV000133779.43), dbSNP rs141953425, ClinGen allele CA157787.

ClinVar aggregate classification (germline): Conflicting classifications of pathogenicity. Review status: criteria provided, conflicting classifications (1 of 4 stars). 9 submissions from 9 submitters: Uncertain significance (5); Likely benign (3). 1 of the submissions does not count toward it. Last evaluated 2026-07-01.

Conditions:
Mosaic variegated aneuploidy syndrome. Also called: MVA SYNDROME. Identifiers: Orphanet 1052, MedGen C4551972, MONDO:0000141.
Mosaic variegated aneuploidy syndrome 1 (MVA1). Also called: Warburton-Anyane-Yeboa syndrome. Identifiers: Orphanet 1052, MedGen C1850343, MONDO:0009759, OMIM 257300.
Carcinoma of colon (CRC). Also called: Colonic carcinoma; Colon carcinoma. Identifiers: MedGen C0699790, MONDO:0002032.
Premature chromatid separation trait (PCS). Also called: TOTAL PREMATURE CHROMATID SEPARATION TRAIT. Identifiers: MedGen C1864389, MONDO:0008304, OMIM 176430.

Allele frequency attached by ClinVar (database versions not stated): 1000 Genomes Project 30x 0.00016; 1000 Genomes Project 0.00020; ESP Exome Variant Server 0.00046; gnomAD 0.00061 and 0.00063; gnomAD exomes 0.00062 and 0.00094; TOPMed 0.00065; ExAC 0.00072.
gnomAD v4.1: 1,442 of 1,614,206 alleles (0.089%); highest among the groups gnomAD compares: Non-Finnish European, 0.12%; 1 homozygote.

Submissions (9):

CeGaT Center for Human Genetics Tuebingen
Classification: Likely benign. Last evaluated: 2026-07-01. Review status: criteria provided, single submitter. Criteria: CeGaT Center For Human Genetics Tuebingen Variant Classification Criteria Version 2. Collection method: clinical testing. Allele origin: germline. Affected: yes. Observed: 6 variant alleles.
Comment: BUB1B: BP4

Labcorp Genetics (formerly Invitae), Labcorp
Classification: Likely benign for Mosaic variegated aneuploidy syndrome 1. Last evaluated: 2026-01-27. Review status: criteria provided, single submitter. Criteria: Invitae Variant Classification Sherloc (09022015). Collection method: clinical testing. Allele origin: germline.

Mayo Clinic Laboratories, Mayo Clinic
Classification: Likely benign. Last evaluated: 2025-09-10. Review status: criteria provided, single submitter. Criteria: ACMG Guidelines, 2015. Collection method: clinical testing. Allele origin: germline. Observed: 1 variant allele.
Comment: BS1, BP4_moderate

GeneDx
Classification: Uncertain significance. Last evaluated: 2024-05-09. Review status: criteria provided, single submitter. Criteria: GeneDx Variant Classification Process June 2021. Collection method: clinical testing. Allele origin: germline. Affected: yes.
Comment: In silico analysis supports that this missense variant has a deleterious effect on protein structure/function; Has not been previously published as pathogenic or benign to our knowledge; This variant is associated with the following publications: (PMID: 27331020, 24728327)

Molecular Pathology, Peter Maccallum Cancer Centre
Classification: Uncertain significance for Mosaic variegated aneuploidy syndrome 1. Last evaluated: 2024-05-07. Review status: criteria provided, single submitter. Criteria: ACMG Guidelines, 2015. Collection method: clinical testing. Allele origin: germline. Inheritance: Autosomal recessive inheritance.

Institute for Clinical Genetics, University Hospital TU Dresden, University Hospital TU Dresden
Classification: Uncertain significance. Last evaluated: 2021-11-03. Review status: criteria provided, single submitter. Criteria: ACMG Guidelines, 2015. Collection method: clinical testing. Allele origin: germline.

St. Jude Molecular Pathology, St. Jude Children's Research Hospital
Classification: Uncertain significance for Mosaic variegated aneuploidy syndrome. Last evaluated: 2021-07-08. Review status: criteria provided, single submitter. Criteria: St. Jude Assertion Criteria 2020. Collection method: clinical testing. Allele origin: germline.
Comment: The BUB1B c.1001C>T (p.Pro334Leu) missense change has a maximum subpopulation frequency of 0.13% in gnomAD v2.1.1. In silico tools are not in agreement about the effect of this variant on protein function, but to our knowledge these predictions have not been confirmed by functional assays. This variant has been reported in a patient with Ph+ acute lymphoblastic leukemia (PMID: 26580448). It has also been identified in 2/1358 non-cancer control individuals in a study of individuals with multiple primary cancers (PMID: 29641532). To our knowledge, this variant has not been reported in individuals with mosaic variegated aneuploidy syndrome. In summary, this variant meets criteria to be classified as of uncertain significance based on the ACMG/AMP criteria: no criteria met.

Fulgent Genetics
Classification: Uncertain significance for Colorectal cancer; Premature chromatid separation trait; Mosaic variegated aneuploidy syndrome 1. Last evaluated: 2018-10-31. Review status: criteria provided, single submitter. Criteria: ACMG Guidelines, 2015. Collection method: clinical testing. Allele origin: unknown.

ITMI
No classification provided. Condition: AllHighlyPenetrant. Last evaluated: 2013-09-19. Review status: no classification provided. Collection method: reference population. Allele origin: germline. Not counted in ClinVar's aggregate classification.
Comment: Please see associated publication for description of ethnicities

Literature cited by the submitters: PubMed 24728327 (cited by ITMI).